The following is an entry in ClinVar:

ClinVar aggregate classification (germline): Uncertain significance. Review status: criteria provided, multiple submitters, no conflicts (2 of 4 stars). 2 submissions from 2 submitters: Uncertain significance (2). Last evaluated 2025-02-10.

Conditions:
Neurofibromatosis, type 1 (NF1). Also called: NEUROFIBROMATOSIS, TYPE I, SOMATIC; VON RECKLINGHAUSEN DISEASE; Peripheral type neurofibromatosis; Neurofibromatosis, type I. Identifiers: Orphanet 636, MedGen C0027831, MONDO:0018975, OMIM 162200. Disease mechanism: loss of function.
Cardiovascular phenotype. Identifiers: MedGen CN230736.
Hereditary cancer-predisposing syndrome. Also called: Neoplastic Syndromes, Hereditary; Hereditary neoplastic syndrome; Tumor predisposition; Hereditary Cancer Syndrome. Identifiers: Orphanet 140162, MedGen C0027672, MeSH D009386, MONDO:0015356.

Submissions (2):

Ambry Genetics
Classification: Uncertain significance for Cardiovascular phenotype; Hereditary cancer-predisposing syndrome. Last evaluated: 2025-02-10. Review status: criteria provided, single submitter. Criteria: Ambry Variant Classification Scheme 2023. Collection method: clinical testing. Allele origin: germline.
Comment: The p.H310R variant (also known as c.929A>G), located in coding exon 9 of the NF1 gene, results from an A to G substitution at nucleotide position 929. The histidine at codon 310 is replaced by arginine, an amino acid with highly similar properties. This amino acid position is well conserved in available vertebrate species. In addition, the in silico prediction for this alteration is inconclusive. Based on the available evidence, the clinical significance of this variant remains unclear.

Labcorp Genetics (formerly Invitae), Labcorp
Classification: Uncertain significance for Neurofibromatosis, type 1. Last evaluated: 2023-07-22. Review status: criteria provided, single submitter. Criteria: Invitae Variant Classification Sherloc (09022015). Collection method: clinical testing. Allele origin: germline.
Comment: In summary, the available evidence is currently insufficient to determine the role of this variant in disease. Therefore, it has been classified as a Variant of Uncertain Significance. Advanced modeling of protein sequence and biophysical properties (such as structural, functional, and spatial information, amino acid conservation, physicochemical variation, residue mobility, and thermodynamic stability) performed at Invitae indicates that this missense variant is expected to disrupt NF1 protein function. ClinVar contains an entry for this variant (Variation ID: 1939574). This variant has not been reported in the literature in individuals affected with NF1-related conditions. This variant is not present in population databases (gnomAD no frequency). This sequence change replaces histidine, which is basic and polar, with arginine, which is basic and polar, at codon 310 of the NF1 protein (p.His310Arg).

NM_001042492.3(NF1):c.929A>G (p.His310Arg)

Gene: NF1 (neurofibromin 1; plus strand). Cytogenetic location: 17q11.2.
Variant type: single nucleotide variant.
Coding change: c.929A>G on transcript NM_001042492.3 (MANE Select); coding-DNA position 929, A replaced by G.
Protein change: p.His310Arg; replaces histidine 310 with arginine.
Molecular consequence: missense variant.
Genome position (GRCh38, 1-based): chr17:31,200,462, A>G. VCF-style: chr17-31200462-A-G. GRCh37 (hg19) VCF-style: chr17-29527480-A-G.
Other names: c.929A>G, p.His310Arg (NM_001128147.3, NM_000267.4); short protein forms H310R.
Identifiers: ClinVar variation 1939574 (VCV001939574.8), dbSNP rs1238509603, ClinGen allele CA398995662.